The following is an entry in ClinVar:

NM_001286577.2(C2CD3):c.1520+1G>C

Gene: C2CD3 (C2 domain containing 3 centriole elongation regulator; minus strand). Cytogenetic location: 11q13.4.
Variant type: single nucleotide variant.
Coding change: c.1520+1G>C on transcript NM_001286577.2 (MANE Select); the canonical splice donor site of the intron after coding-DNA position 1520, G replaced by C.
Molecular consequence: splice donor variant.
Genome position (GRCh38, 1-based): chr11:74,118,227, C>G on the plus strand (G>C on the coding strand, the complement: C2CD3 is on the minus strand). VCF-style: chr11-74118227-C-G. GRCh37 (hg19) VCF-style: chr11-73829272-C-G.
Other names: c.1520+1G>C (NM_015531.6).
Identifiers: ClinVar variation 1514682 (VCV001514682.3), dbSNP rs758396296, ClinGen allele CA6182939.
Genomic context (GRCh38, chr11:74,118,227, plus strand): 5'-GATCTTGTGAAAATAACATTCCTTTGTGTTTACCTTTAAATAAACAGTCAGAGCAGCTCA[C>G]CTATTTCTCTTGCCTGCTGACCTCTTCTTCAGCTTATGATCACTTGACTCCAGAACCTTA-3'

ClinVar aggregate classification (germline): Likely pathogenic (1 of 4 stars; one submission).

Allele frequency attached by ClinVar (database versions not stated): gnomAD exomes below 0.00001; ExAC 0.00001.
gnomAD v4.1: 1 of 1,611,736 alleles (0.000062%); highest among the groups gnomAD compares: Non-Finnish European, 0.000085%; no homozygotes.

Submission:

Labcorp Genetics (formerly Invitae), Labcorp
Classification: Likely pathogenic. Last evaluated: 2022-06-28. Review status: criteria provided, single submitter. Criteria: Invitae Variant Classification Sherloc (09022015). Collection method: clinical testing. Allele origin: germline.
Comment: This sequence change affects a donor splice site in intron 9 of the C2CD3 gene. It is expected to disrupt RNA splicing. Variants that disrupt the donor or acceptor splice site typically lead to a loss of protein function (PMID: 16199547), and loss-of-function variants in C2CD3 are known to be pathogenic (PMID: 24997988, 26477546). This variant is present in population databases (rs758396296, gnomAD 0.0009%). This variant has not been reported in the literature in individuals affected with C2CD3-related conditions. Algorithms developed to predict the effect of sequence changes on RNA splicing suggest that this variant may disrupt the consensus splice site. In summary, the currently available evidence indicates that the variant is pathogenic, but additional data are needed to prove that conclusively. Therefore, this variant has been classified as Likely Pathogenic.

Literature cited by the submitters: PubMed 16199547; PubMed 24997988; PubMed 26477546.